The following is an entry in ClinVar:

NM_001037.5(SCN1B):c.40+15G>A

Gene: SCN1B (sodium voltage-gated channel beta subunit 1; plus strand). Cytogenetic location: 19q13.11.
Variant type: single nucleotide variant.
Coding change: c.40+15G>A on transcript NM_001037.5 (MANE Select); 15 bases into the intron after coding-DNA position 40, G replaced by A.
Molecular consequence: intron variant.
Genome position (GRCh38, 1-based): chr19:35,030,875, G>A. VCF-style: chr19-35030875-G-A. GRCh37 (hg19) VCF-style: chr19-35521779-G-A.
Other names: c.40+15G>A (NM_199037.5).
Identifiers: ClinVar variation 669480 (VCV000669480.4), dbSNP rs72556351, ClinGen allele CA915953072.

ClinVar aggregate classification (germline): Likely benign. Review status: criteria provided, multiple submitters, no conflicts (2 of 4 stars). 2 submissions from 2 submitters: Likely benign (2). Last evaluated 2023-09-08.

Conditions:
Brugada syndrome 5 (BRGDA5). Identifiers: Orphanet 130, Orphanet 871, MedGen C2748541, MONDO:0013015, OMIM 612838.

Submissions (2):

Labcorp Genetics (formerly Invitae), Labcorp
Classification: Likely benign for Brugada syndrome 5. Last evaluated: 2023-09-08. Review status: criteria provided, single submitter. Criteria: Invitae Variant Classification Sherloc (09022015). Collection method: clinical testing. Allele origin: germline.

GeneDx
Classification: Likely benign. Last evaluated: 2018-03-13. Review status: criteria provided, single submitter. Criteria: GeneDx Variant Classification (06012015). Collection method: clinical testing. Allele origin: germline. Affected: yes.
Comment: This variant is considered likely benign or benign based on one or more of the following criteria: it is a conservative change, it occurs at a poorly conserved position in the protein, it is predicted to be benign by multiple in silico algorithms, and/or has population frequency not consistent with disease.